The following is an entry in ClinVar:

ClinVar aggregate classification (germline): Pathogenic/Likely pathogenic. Review status: criteria provided, multiple submitters, no conflicts (2 of 4 stars). 3 submissions from 3 submitters: Pathogenic (1); Likely pathogenic (2). Last evaluated 2026-07-01.

Conditions:
Spastic paraplegia 92, autosomal recessive. Identifiers: MedGen C5975346, MONDO:0975746, OMIM 620911.

Submissions (3):

CeGaT Center for Human Genetics Tuebingen
Classification: Likely pathogenic. Last evaluated: 2026-07-01. Review status: criteria provided, single submitter. Criteria: CeGaT Center For Human Genetics Tuebingen Variant Classification Criteria Version 2. Collection method: clinical testing. Allele origin: germline. Affected: yes. Observed: 2 variant alleles.
Comment: FICD: PM3:Strong, PM1, PM2, PP3

3billion
Classification: Pathogenic for Spastic paraplegia 92, autosomal recessive. Last evaluated: 2025-05-01. Review status: criteria provided, single submitter. Criteria: ACMG Guidelines, 2015. Collection method: clinical testing. Allele origin: germline. Affected: yes.
Comment: The variant is observed at an extremely low frequency in the gnomAD v4.1.0 dataset (total allele frequency: 0.009%). Predicted Consequence/Location: Missense variant Functional studies provide strong evidence of the variant having a damaging effect on the gene or gene product (PMID: 36136088). In silico tool predictions suggest damaging effect of the variant on gene or gene product [REVEL: 0.91 (>=0.6, sensitivity 0.68 and specificity 0.92); 3Cnet: 0.02 (> 0.75, sensitivity 0.96 and precision 0.92)]. The same nucleotide change resulting in the same amino acid change has been previously reported to be associated with FICD-related disorder (PMID: 36136088).The variant has been reported to be in trans with a pathogenic variant as either compound heterozygous or homozygous in at least one similarly affected unrelated individual (PMID: 36136088). Therefore, this variant is classified as Pathogenic according to the recommendation of ACMG/AMP guideline.

Juno Genomics, Hangzhou Juno Genomics, Inc
Classification: Likely pathogenic for Spastic paraplegia 92, autosomal recessive. Review status: criteria provided, single submitter. Criteria: ACMG Guidelines, 2015. Collection method: clinical testing. Allele origin: germline.
Comment: Absent from controls (or at extremely low frequency if recessive) in Genome Aggregation Database.;Multiple lines of computational evidence support a deleterious effect on the gene or gene product.;For recessive disorders, detected in trans with a pathogenic variant.;Co-segregation with disease in multiple affected family members.

Literature cited by the submitters: PubMed 36136088 (cited by 3billion).

NM_007076.3(FICD):c.1121G>A (p.Arg374His)

Gene: FICD (FIC domain protein adenylyltransferase; plus strand). Cytogenetic location: 12q23.3.
Variant type: single nucleotide variant.
Coding change: c.1121G>A on transcript NM_007076.3 (MANE Select); coding-DNA position 1121, G replaced by A.
Protein change: p.Arg374His; replaces arginine 374 with histidine.
Molecular consequence: missense variant.
Genome position (GRCh38, 1-based): chr12:108,519,219, G>A. VCF-style: chr12-108519219-G-A. GRCh37 (hg19) VCF-style: chr12-108912996-G-A.
Other names: short protein forms R374H.
Identifiers: ClinVar variation 4822008 (VCV004822008.5).